The following is an entry in ClinVar:

ClinVar aggregate classification (germline): Uncertain significance (1 of 4 stars; one submission).

Conditions:
Lethal congenital glycogen storage disease of heart. Also called: PHOSPHORYLASE KINASE DEFICIENCY OF HEART; GLYCOGEN STORAGE DISEASE OF HEART. Identifiers: Orphanet 439854, MedGen C1849813, MONDO:0009867, OMIM 261740.

Submission:

Labcorp Genetics (formerly Invitae), Labcorp
Classification: Uncertain significance for Lethal congenital glycogen storage disease of heart. Last evaluated: 2021-03-24. Review status: criteria provided, single submitter. Criteria: Invitae Variant Classification Sherloc (09022015). Collection method: clinical testing. Allele origin: germline.
Comment: This sequence change replaces serine with phenylalanine at codon 129 of the PRKAG2 protein (p.Ser129Phe). The serine residue is moderately conserved and there is a large physicochemical difference between serine and phenylalanine. This variant is not present in population databases (ExAC no frequency). This variant has not been reported in the literature in individuals with PRKAG2-related conditions. Algorithms developed to predict the effect of missense changes on protein structure and function are either unavailable or do not agree on the potential impact of this missense change (SIFT: "Deleterious"; PolyPhen-2: "Probably Damaging"; Align-GVGD: "Class C0"). In summary, the available evidence is currently insufficient to determine the role of this variant in disease. Therefore, it has been classified as a Variant of Uncertain Significance.

NM_016203.4(PRKAG2):c.386C>T (p.Ser129Phe)

Gene: PRKAG2 (protein kinase AMP-activated non-catalytic subunit gamma 2; minus strand). Cytogenetic location: 7q36.1.
Variant type: single nucleotide variant.
Coding change: c.386C>T on transcript NM_016203.4 (MANE Select); coding-DNA position 386, C replaced by T.
Protein change: p.Ser129Phe; replaces serine 129 with phenylalanine.
Molecular consequence: missense variant.
Genome position (GRCh38, 1-based): chr7:151,781,232, G>A on the plus strand (C>T on the coding strand, the complement: PRKAG2 is on the minus strand). VCF-style: chr7-151781232-G-A. GRCh37 (hg19) VCF-style: chr7-151478318-G-A.
Other names: c.254C>T, p.Ser85Phe (NM_001040633.2); short protein forms S85F, S129F.
Identifiers: ClinVar variation 1504920 (VCV001504920.8), dbSNP rs2151803284, ClinGen allele CA370069467.